The following is an entry in ClinVar:

ClinVar aggregate classification (germline): Likely benign (1 of 4 stars; one submission).

gnomAD v4.1: 5 of 1,613,316 alleles (0.00031%); highest among the groups gnomAD compares: Non-Finnish European, 0.00042%; no homozygotes.

Submission:

CeGaT Center for Human Genetics Tuebingen
Classification: Likely benign. Last evaluated: 2025-12-01. Review status: criteria provided, single submitter. Criteria: CeGaT Center For Human Genetics Tuebingen Variant Classification Criteria Version 2. Collection method: clinical testing. Allele origin: germline. Affected: yes. Observed: 1 variant allele.
Comment: SCN9A: BP4, BP7

NM_001365536.1(SCN9A):c.3243C>T (p.His1081=)

Genes: SCN1A-AS1 (SCN1A and SCN9A antisense RNA 1; plus strand), SCN9A (sodium voltage-gated channel alpha subunit 9; minus strand). Cytogenetic location: 2q24.3.
Variant type: single nucleotide variant.
Coding change: c.3243C>T on transcript NM_001365536.1 (MANE Select); coding-DNA position 3243, C replaced by T.
Protein change: p.His1081=; no amino-acid change (histidine 1081 retained).
Molecular consequence: synonymous variant.
Genome position (GRCh38, 1-based): chr2:166,272,507, G>A on the plus strand (C>T on the coding strand, the complement: SCN9A is on the minus strand). VCF-style: chr2-166272507-G-A. GRCh37 (hg19) VCF-style: chr2-167129017-G-A.
Other names: c.3210C>T, p.His1070= (NM_002977.4).
Identifiers: ClinVar variation 4681993 (VCV004681993.5).